The following is an entry in ClinVar:

ClinVar aggregate classification (germline): Uncertain significance (1 of 4 stars; one submission).

Conditions:
Muscle AMP deaminase deficiency (MMDD). Also called: AMPD1 DEFICIENCY; Myoadenylate deaminase deficiency, myopathy due to; Adenosine monophosphate deaminase 1 deficiency; AMP deaminase 1 deficiency; Adenosine Monophosphate Deaminase 1; ADENOSINE MONOPHOSPHATE DEAMINASE-1 DEFICIENCY, MYOPATHY DUE TO. Identifiers: Orphanet 45, MedGen C3714933, MONDO:0014220, OMIM 615511.

gnomAD v4.1: 29 of 1,609,646 alleles (0.0018%); highest among the groups gnomAD compares: African/African-American, 0.008%; no homozygotes.

Submission:

Labcorp Genetics (formerly Invitae), Labcorp
Classification: Uncertain significance for Muscle AMP deaminase deficiency. Last evaluated: 2025-07-29. Review status: criteria provided, single submitter. Criteria: Invitae Variant Classification Sherloc (09022015). Collection method: clinical testing. Allele origin: germline.
Comment: This sequence change affects a donor splice site in intron 2 of the AMPD1 gene. It is expected to disrupt RNA splicing. Variants that disrupt the donor or acceptor splice site typically lead to a loss of protein function (PMID: 16199547), however the current clinical and genetic evidence is not sufficient to establish whether loss-of-function variants in AMPD1 cause disease. This variant is present in population databases (rs146599099, gnomAD 0.007%). This variant has not been reported in the literature in individuals affected with AMPD1-related conditions. Algorithms developed to predict the effect of sequence changes on RNA splicing suggest that this variant may disrupt the consensus splice site. In summary, the available evidence is currently insufficient to determine the role of this variant in disease. Therefore, it has been classified as a Variant of Uncertain Significance.

Literature cited by the submitters: PubMed 16199547.

NM_000036.3(AMPD1):c.34+1G>A

Gene: AMPD1 (adenosine monophosphate deaminase 1; minus strand). Cytogenetic location: 1p13.2.
Variant type: single nucleotide variant.
Coding change: c.34+1G>A on transcript NM_000036.3 (MANE Select); the canonical splice donor site of the intron after coding-DNA position 34, G replaced by A.
Molecular consequence: splice donor variant. On other transcripts: intron variant (1).
Genome position (GRCh38, 1-based): chr1:114,693,435, C>T on the plus strand (G>A on the coding strand, the complement: AMPD1 is on the minus strand). VCF-style: chr1-114693435-C-T. GRCh37 (hg19) VCF-style: chr1-115236056-C-T.
Other names: c.22+2015G>A (NM_001172626.2).
Identifiers: ClinVar variation 4722751 (VCV004722751.1), dbSNP rs146599099.